The following is an entry in ClinVar:

ClinVar aggregate classification (germline): Uncertain significance. Review status: criteria provided, multiple submitters, no conflicts (2 of 4 stars). 2 submissions from 2 submitters: Uncertain significance (2). Last evaluated 2026-07-07.

Conditions:
Distal myopathy with posterior leg and anterior hand involvement. Also called: WILLIAMS DISTAL MYOPATHY. Identifiers: Orphanet 63273, MedGen C3279722, MONDO:0013550, OMIM 614065.
Myofibrillar myopathy 5. Also called: Filaminopathy (type); FILAMINOPATHY, AUTOSOMAL DOMINANT. Identifiers: Orphanet 171445, MedGen C1836050, MONDO:0012289, OMIM 609524.
Hypertrophic cardiomyopathy 26. Also called: Cardiomyopathy, familial hypertrophic, 26. Identifiers: Orphanet 75249, MedGen C4310749, MONDO:0014883, OMIM 617047.
Cardiovascular phenotype. Identifiers: MedGen CN230736.

gnomAD v4.1: 2 of 1,613,518 alleles (0.00012%); highest among the groups gnomAD compares: Non-Finnish European, 0.00017%; no homozygotes.

Submissions (2):

Ambry Genetics
Classification: Uncertain significance for Cardiovascular phenotype. Last evaluated: 2026-07-07. Review status: criteria provided, single submitter. Criteria: Ambry Variant Classification Scheme 2023. Collection method: clinical testing. Allele origin: germline.
Comment: The p.R1627L variant (also known as c.4880G>T), located in coding exon 28 of the FLNC gene, results from a G to T substitution at nucleotide position 4880. The arginine at codon 1627 is replaced by leucine, an amino acid with dissimilar properties. This amino acid position is conserved. In addition, the in silico prediction for this alteration is inconclusive. Based on the available evidence, the clinical significance of this variant remains unclear.

Labcorp Genetics (formerly Invitae), Labcorp
Classification: Uncertain significance for Distal myopathy with posterior leg and anterior hand involvement; Myofibrillar myopathy 5; Hypertrophic cardiomyopathy 26. Last evaluated: 2021-08-21. Review status: criteria provided, single submitter. Criteria: Invitae Variant Classification Sherloc (09022015). Collection method: clinical testing. Allele origin: germline.
Comment: In summary, the available evidence is currently insufficient to determine the role of this variant in disease. Therefore, it has been classified as a Variant of Uncertain Significance. Algorithms developed to predict the effect of missense changes on protein structure and function are either unavailable or do not agree on the potential impact of this missense change (SIFT: "Tolerated"; PolyPhen-2: "Possibly Damaging"; Align-GVGD: "Class C0"). This variant has not been reported in the literature in individuals affected with FLNC-related conditions. This variant is not present in population databases (ExAC no frequency). This sequence change replaces arginine with leucine at codon 1627 of the FLNC protein (p.Arg1627Leu). The arginine residue is moderately conserved and there is a moderate physicochemical difference between arginine and leucine.

NM_001458.5(FLNC):c.4880G>T (p.Arg1627Leu)

Gene: FLNC (filamin C; plus strand). Cytogenetic location: 7q32.1.
Variant type: single nucleotide variant.
Coding change: c.4880G>T on transcript NM_001458.5 (MANE Select); coding-DNA position 4880, G replaced by T.
Protein change: p.Arg1627Leu; replaces arginine 1627 with leucine.
Molecular consequence: missense variant.
Genome position (GRCh38, 1-based): chr7:128,848,935, G>T. VCF-style: chr7-128848935-G-T. GRCh37 (hg19) VCF-style: chr7-128488989-G-T.
Other names: c.4880G>T, p.Arg1627Leu (NM_001127487.2); c.4880G>T (NM_001458.4); short protein forms R1627L.
Identifiers: ClinVar variation 1370023 (VCV001370023.7), dbSNP rs751592993, ClinGen allele CA369203473.